The following is an entry in ClinVar:

ClinVar aggregate classification (germline): Uncertain significance (1 of 4 stars; one submission).

Conditions:
Cutis laxa, X-linked (OHS). Also called: EDS IX; Occipital horn syndrome. Identifiers: Orphanet 198, MedGen C0268353, MONDO:0010572, OMIM 304150.
Menkes kinky-hair syndrome (MNK). Also called: Classic Menkes Disease; Copper transport disease; Menkes Disease. Identifiers: Orphanet 565, MedGen C0022716, MONDO:0010651, OMIM 309400.
X-linked distal spinal muscular atrophy type 3. Also called: SPINAL MUSCULAR ATROPHY, DISTAL, X-LINKED RECESSIVE; ATP7A-Related Distal Motor Neuropathy; NEURONOPATHY, DISTAL HEREDITARY MOTOR, X-LINKED; NEUROPATHY, DISTAL HEREDITARY MOTOR, X-LINKED. Identifiers: Orphanet 139557, MedGen C1845359, MONDO:0010338, OMIM 300489.

Submission:

Labcorp Genetics (formerly Invitae), Labcorp
Classification: Uncertain significance for X-linked distal spinal muscular atrophy type 3; Cutis laxa, X-linked; Menkes kinky-hair syndrome. Last evaluated: 2021-08-27. Review status: criteria provided, single submitter. Criteria: Invitae Variant Classification Sherloc (09022015). Collection method: clinical testing. Allele origin: germline.
Comment: This sequence change replaces threonine with isoleucine at codon 1159 of the ATP7A protein (p.Thr1159Ile). The threonine residue is weakly conserved and there is a moderate physicochemical difference between threonine and isoleucine. This variant is not present in population databases (ExAC no frequency). This variant has not been reported in the literature in individuals affected with ATP7A-related conditions. Algorithms developed to predict the effect of missense changes on protein structure and function (SIFT, PolyPhen-2, Align-GVGD) all suggest that this variant is likely to be tolerated. In summary, the available evidence is currently insufficient to determine the role of this variant in disease. Therefore, it has been classified as a Variant of Uncertain Significance.

NM_000052.7(ATP7A):c.3476C>T (p.Thr1159Ile)

Gene: ATP7A (ATPase copper transporting alpha; plus strand). Cytogenetic location: Xq21.1.
Variant type: single nucleotide variant.
Coding change: c.3476C>T on transcript NM_000052.7 (MANE Select); coding-DNA position 3476, C replaced by T.
Protein change: p.Thr1159Ile; replaces threonine 1159 with isoleucine.
Molecular consequence: missense variant. On other transcripts: non-coding transcript variant (1).
Genome position (GRCh38, 1-based): chrX:78,033,786, C>T. VCF-style: chrX-78033786-C-T. GRCh37 (hg19) VCF-style: chrX-77289284-C-T.
Other names: c.3242C>T, p.Thr1081Ile (NM_001282224.2); short protein forms T1159I, T1081I.
Identifiers: ClinVar variation 465119 (VCV000465119.6), dbSNP rs1557237452, ClinGen allele CA413604251.